The following is an entry in ClinVar:

ClinVar aggregate classification (germline): Uncertain significance (1 of 4 stars; one submission).

Submission:

Labcorp Genetics (formerly Invitae), Labcorp
Classification: Uncertain significance. Last evaluated: 2020-03-27. Review status: criteria provided, single submitter. Criteria: Invitae Variant Classification Sherloc (09022015). Collection method: clinical testing. Allele origin: germline.
Comment: In summary, the available evidence is currently insufficient to determine the role of this variant in disease. Therefore, it has been classified as a Variant of Uncertain Significance. Algorithms developed to predict the effect of missense changes on protein structure and function output the following: SIFT: "Tolerated"; PolyPhen-2: "Benign"; Align-GVGD: "Class C0". The valine amino acid residue is found in multiple mammalian species, suggesting that this missense change does not adversely affect protein function. These predictions have not been confirmed by published functional studies and their clinical significance is uncertain. This variant has not been reported in the literature in individuals with ABCA4-related conditions. This variant is not present in population databases (ExAC no frequency). This sequence change replaces alanine with valine at codon 45 of the ABCA4 protein (p.Ala45Val). The alanine residue is moderately conserved and there is a small physicochemical difference between alanine and valine.

NM_000350.3(ABCA4):c.134C>T (p.Ala45Val)

Gene: ABCA4 (ATP binding cassette subfamily A member 4; minus strand). Cytogenetic location: 1p22.1.
Variant type: single nucleotide variant.
Coding change: c.134C>T on transcript NM_000350.3 (MANE Select); coding-DNA position 134, C replaced by T.
Protein change: p.Ala45Val; replaces alanine 45 with valine.
Molecular consequence: missense variant.
Genome position (GRCh38, 1-based): chr1:94,112,999, G>A on the plus strand (C>T on the coding strand, the complement: ABCA4 is on the minus strand). VCF-style: chr1-94112999-G-A. GRCh37 (hg19) VCF-style: chr1-94578555-G-A.
Other names: c.134C>T, p.Ala45Val (NM_001425324.1); short protein forms A45V.
Identifiers: ClinVar variation 1038025 (VCV001038025.8), dbSNP rs368503198, ClinGen allele CA341286519.